The following is an entry in ClinVar:

NM_003978.5(PSTPIP1):c.838+6G>T

Gene: PSTPIP1 (proline-serine-threonine phosphatase interacting protein 1; plus strand). Cytogenetic location: 15q24.3.
Variant type: single nucleotide variant.
Coding change: c.838+6G>T on transcript NM_003978.5 (MANE Select); 6 bases into the intron after coding-DNA position 838, G replaced by T.
Molecular consequence: intron variant. On other transcripts: missense variant (1).
Genome position (GRCh38, 1-based): chr15:77,032,400, G>T. VCF-style: chr15-77032400-G-T. GRCh37 (hg19) VCF-style: chr15-77324741-G-T.
Other names: c.844G>T, p.Val282Phe (NM_001321135.2); c.1033+6G>T (NM_001321137.1); c.811+6G>T (NM_001321136.2); c.838+6G>T (NM_001411086.1); short protein forms V282F.
Identifiers: ClinVar variation 2967814 (VCV002967814.3), dbSNP rs765845344, ClinGen allele CA7675999.

ClinVar aggregate classification (germline): Uncertain significance (1 of 4 stars; one submission).

Conditions:
Pyogenic arthritis-pyoderma gangrenosum-acne syndrome (PAPA). Also called: PAPA SYNDROME; FAMILIAL RECURRENT ARTHRITIS. Identifiers: Orphanet 69126, MedGen C1858361, MONDO:0011462, OMIM 604416.

Allele frequency attached by ClinVar (database versions not stated): ExAC 0.00001; gnomAD exomes 0.00001.
gnomAD v4.1: 15 of 1,612,548 alleles (0.00093%); highest among the groups gnomAD compares: Middle Eastern, 0.017%; no homozygotes.

Submission:

Labcorp Genetics (formerly Invitae), Labcorp
Classification: Uncertain significance for Pyogenic arthritis-pyoderma gangrenosum-acne syndrome. Last evaluated: 2023-06-11. Review status: criteria provided, single submitter. Criteria: Invitae Variant Classification Sherloc (09022015). Collection method: clinical testing. Allele origin: germline.
Comment: This sequence change falls in intron 11 of the PSTPIP1 gene. It does not directly change the encoded amino acid sequence of the PSTPIP1 protein. It affects a nucleotide within the consensus splice site. This variant is present in population databases (rs765845344, gnomAD 0.002%). In summary, the available evidence is currently insufficient to determine the role of this variant in disease. Therefore, it has been classified as a Variant of Uncertain Significance. Variants that disrupt the consensus splice site are a relatively common cause of aberrant splicing (PMID: 17576681, 9536098). Algorithms developed to predict the effect of sequence changes on RNA splicing suggest that this variant may disrupt the consensus splice site. This variant has not been reported in the literature in individuals affected with PSTPIP1-related conditions.

Literature cited by the submitters: PubMed 17576681; PubMed 9536098.